The following is an entry in ClinVar:

NM_015202.5(KATNIP):c.4248C>T (p.Ile1416=)

Gene: KATNIP (katanin interacting protein; plus strand). Cytogenetic location: 16p12.1.
Variant type: single nucleotide variant.
Coding change: c.4248C>T on transcript NM_015202.5 (MANE Select); coding-DNA position 4248, C replaced by T.
Protein change: p.Ile1416=; no amino-acid change (isoleucine 1416 retained).
Molecular consequence: synonymous variant.
Genome position (GRCh38, 1-based): chr16:27,773,148, C>T. VCF-style: chr16-27773148-C-T. GRCh37 (hg19) VCF-style: chr16-27784469-C-T.
Identifiers: ClinVar variation 734638 (VCV000734638.17), dbSNP rs756116174, ClinGen allele CA7978560.
Genomic context (GRCh38, chr16:27,773,148, plus strand): 5'-AAGTGTCCCAGTCATTTTCCAGTTTCAGCTTCTCACCAGCTGGGGCGACCCCTACTACAT[C>T]GGCCTCACCGGCCTGGAGCTGTATGACGAGCGAGGAGAAAAAATCCCCTTGTCGGAAAAC-3'
Protein context (NP_056017.4, residues 1406-1426): LLTSWGDPYY[Ile1416=]GLTGLELYDE

ClinVar aggregate classification (germline): Likely benign. Review status: criteria provided, multiple submitters, no conflicts (2 of 4 stars). 2 submissions from 2 submitters: Likely benign (2). Last evaluated 2024-11-01.

Allele frequency attached by ClinVar (database versions not stated): gnomAD exomes 0.00002; TOPMed 0.00002; ExAC 0.00001; gnomAD 0.00001.
gnomAD v4.1: 27 of 1,612,500 alleles (0.0017%); highest among the groups gnomAD compares: African/African-American, 0.013%; no homozygotes.

Submissions (2):

CeGaT Center for Human Genetics Tuebingen
Classification: Likely benign. Last evaluated: 2024-11-01. Review status: criteria provided, single submitter. Criteria: CeGaT Center For Human Genetics Tuebingen Variant Classification Criteria Version 2. Collection method: clinical testing. Allele origin: germline. Affected: yes. Observed: 1 variant allele.
Comment: KATNIP: BP4, BP7

Labcorp Genetics (formerly Invitae), Labcorp
Classification: Likely benign. Last evaluated: 2018-01-19. Review status: criteria provided, single submitter. Criteria: Invitae Variant Classification Sherloc (09022015). Collection method: clinical testing. Allele origin: germline.